The following is an entry in ClinVar:

ClinVar aggregate classification (germline): Uncertain significance (1 of 4 stars; one submission).

Conditions:
3-hydroxyisobutyryl-CoA hydrolase deficiency. Also called: METHACRYLIC ACID TOXICITY; METHACRYLIC ACIDURIA; VALINE METABOLIC DEFECT; Reduced circulating 3-hydroxyisobutyryl-CoA hydrolase activity; Deficiency of 3-hydroxyisobutyryl CoA hydrolase; HIBCH DEFICIENCY. Identifiers: Orphanet 88639, MedGen C0342738, MONDO:0009603, OMIM 250620, HP:6000215.

Allele frequency attached by ClinVar (database versions not stated): ExAC 0.00003.
gnomAD v4.1: 18 of 1,611,784 alleles (0.0011%); highest among the groups gnomAD compares: Middle Eastern, 0.037%; no homozygotes.

Submission:

Labcorp Genetics (formerly Invitae), Labcorp
Classification: Uncertain significance for 3-hydroxyisobutyryl-CoA hydrolase deficiency. Last evaluated: 2024-02-05. Review status: criteria provided, single submitter. Criteria: Invitae Variant Classification Sherloc (09022015). Collection method: clinical testing. Allele origin: germline.
Comment: This sequence change affects codon 96 of the HIBCH mRNA. It is a 'silent' change, meaning that it does not change the encoded amino acid sequence of the HIBCH protein. This variant is present in population databases (rs763337974, gnomAD 0.007%). This variant has not been reported in the literature in individuals affected with HIBCH-related conditions. ClinVar contains an entry for this variant (Variation ID: 2196723). Algorithms developed to predict the effect of sequence changes on RNA splicing suggest that this variant may disrupt the consensus splice site. In summary, the available evidence is currently insufficient to determine the role of this variant in disease. Therefore, it has been classified as a Variant of Uncertain Significance.

NM_014362.4(HIBCH):c.288C>T (p.Ala96=)

Gene: HIBCH (3-hydroxyisobutyryl-CoA hydrolase; minus strand). Cytogenetic location: 2q32.2.
Variant type: single nucleotide variant.
Coding change: c.288C>T on transcript NM_014362.4 (MANE Select); coding-DNA position 288, C replaced by T.
Protein change: p.Ala96=; no amino-acid change (alanine 96 retained).
Molecular consequence: synonymous variant.
Genome position (GRCh38, 1-based): chr2:190,294,562, G>A on the plus strand (C>T on the coding strand, the complement: HIBCH is on the minus strand). VCF-style: chr2-190294562-G-A. GRCh37 (hg19) VCF-style: chr2-191159288-G-A.
Other names: c.288C>T, p.Ala96= (NM_198047.3).
Identifiers: ClinVar variation 2196723 (VCV002196723.4), dbSNP rs763337974, ClinGen allele CA2027718.